The following is an entry in ClinVar:

NM_004415.4(DSP):c.5066T>C (p.Ile1689Thr)

Gene: DSP (desmoplakin; plus strand). Cytogenetic location: 6p24.3.
Variant type: single nucleotide variant.
Coding change: c.5066T>C on transcript NM_004415.4 (MANE Select); coding-DNA position 5066, T replaced by C.
Protein change: p.Ile1689Thr; replaces isoleucine 1689 with threonine.
Molecular consequence: missense variant. On other transcripts: intron variant (2).
Genome position (GRCh38, 1-based): chr6:7,581,256, T>C. VCF-style: chr6-7581256-T-C. GRCh37 (hg19) VCF-style: chr6-7581489-T-C.
Other names: c.5066T>C (LRG_423t1); c.4050+1016T>C (NM_001319034.2); c.3583-1386T>C (NM_001008844.3); short protein forms I1689T.
Identifiers: ClinVar variation 222580 (VCV000222580.15), dbSNP rs869025394, ClinGen allele CA351901.

ClinVar aggregate classification (germline): Conflicting classifications of pathogenicity. Review status: criteria provided, conflicting classifications (1 of 4 stars). 4 submissions from 4 submitters: Uncertain significance (3); Likely benign (1). Last evaluated 2024-12-22.

Conditions:
Cardiovascular phenotype. Identifiers: MedGen CN230736.
Arrhythmogenic cardiomyopathy with wooly hair and keratoderma. Also called: Dilated cardiomyopathy with woolly hair and keratoderma; PALMOPLANTAR KERATODERMA WITH LEFT VENTRICULAR CARDIOMYOPATHY AND WOOLLY HAIR; Carvajal syndrome; Arrhythmogenic cardiomyopathy with woolly hair and keratoderma. Identifiers: Orphanet 65282, MedGen C1854063, MONDO:0011581, OMIM 605676.
Arrhythmogenic right ventricular dysplasia 8 (ARVD8). Also called: Arrhythmogenic Right Ventricular Dysplasia/Cardiomyopathy 8; ARRHYTHMOGENIC RIGHT VENTRICULAR DYSPLASIA, FAMILIAL, 8; ARRHYTHMOGENIC RIGHT VENTRICULAR CARDIOMYOPATHY 8. Identifiers: MedGen C1843896, MONDO:0011831, OMIM 607450.
Cardiomyopathy (CMYO). Also called: Cardiomyopathies. Identifiers: Orphanet 167848, MedGen C0878544, MONDO:0004994, HP:0001638. Inheritance: Various modes of inheritance.

Allele frequency attached by ClinVar (database versions not stated): TOPMed 0.00001; gnomAD exomes below 0.00001 and 0.00001; gnomAD 0.00003.
gnomAD v4.1: 13 of 1,613,866 alleles (0.00081%); highest among the groups gnomAD compares: African/African-American, 0.0094%; no homozygotes.

Submissions (4):

Labcorp Genetics (formerly Invitae), Labcorp
Classification: Likely benign for Arrhythmogenic cardiomyopathy with wooly hair and keratoderma; Arrhythmogenic right ventricular dysplasia 8. Last evaluated: 2024-12-22. Review status: criteria provided, single submitter. Criteria: Invitae Variant Classification Sherloc (09022015). Collection method: clinical testing. Allele origin: germline.

All of Us Research Program, National Institutes of Health
Classification: Uncertain significance for Arrhythmogenic cardiomyopathy with wooly hair and keratoderma. Last evaluated: 2024-08-30. Review status: criteria provided, single submitter. Criteria: ACMG Guidelines, 2015. Collection method: clinical testing. Allele origin: germline. Inheritance: Autosomal dominant inheritance. Observed: 4 variant alleles, 4 heterozygotes.
Comment: This missense variant replaces isoleucine with threonine at codon 1689 of the DSP protein. Computational prediction suggests that this variant may not impact protein structure and function (internally defined REVEL score threshold <= 0.5, PMID: 27666373). To our knowledge, functional studies have not been reported for this variant. This variant has not been reported in individuals affected with DSP-related disorders in the literature. This variant has been identified in 3/282190 chromosomes in the general population by the Genome Aggregation Database (gnomAD). The available evidence is insufficient to determine the role of this variant in disease conclusively. Therefore, this variant is classified as a Variant of Uncertain Significance.

This study involves interpretation of variants in research participants for the purpose of population health screening. Participant phenotype was not available at the time of variant classification. Additional details can be found in publication PMID: 35346344, PMCID: PMC8962531

Color Diagnostics, LLC DBA Color Health
Classification: Uncertain significance for Cardiomyopathy. Last evaluated: 2024-07-16. Review status: criteria provided, single submitter. Criteria: ACMG Guidelines, 2015. Collection method: clinical testing. Allele origin: germline.
Comment: This missense variant replaces isoleucine with threonine at codon 1689 of the DSP protein. Computational prediction suggests that this variant may not impact protein structure and function. To our knowledge, functional studies have not been reported for this variant. This variant has not been reported in individuals affected with DSP-related disorders in the literature. This variant has been identified in 3/282190 chromosomes in the general population by the Genome Aggregation Database (gnomAD). The available evidence is insufficient to determine the role of this variant in disease conclusively. Therefore, this variant is classified as a Variant of Uncertain Significance.

Ambry Genetics
Classification: Uncertain significance for Cardiovascular phenotype. Last evaluated: 2020-08-13. Review status: criteria provided, single submitter. Criteria: Ambry Variant Classification Scheme 2023. Collection method: clinical testing. Allele origin: germline.
Comment: The p.I1689T variant (also known as c.5066T>C), located in coding exon 23 of the DSP gene, results from a T to C substitution at nucleotide position 5066. The isoleucine at codon 1689 is replaced by threonine, an amino acid with similar properties. This amino acid position is well conserved in available vertebrate species. In addition, this alteration is predicted to be tolerated by in silico analysis. Since supporting evidence is limited at this time, the clinical significance of this alteration remains unclear.